The following is an entry in ClinVar:

ClinVar aggregate classification (germline): Uncertain significance (1 of 4 stars; one submission).

Conditions:
Generalized epilepsy with febrile seizures plus, type 7 (GEFSP7). Also called: GEFS+, TYPE 7. Identifiers: Orphanet 36387, MedGen C2751778, MONDO:0013470, OMIM 613863.
Neuropathy, hereditary sensory and autonomic, type 2A (HSAN2A). Also called: ACROOSTEOLYSIS, GIACCAI TYPE; ACROOSTEOLYSIS, NEUROGENIC; WNK1-Related HSAN2 (HSAN2A); HSAN IIA; MORVAN DISEASE; NEUROPATHY, CONGENITAL SENSORY. Identifiers: Orphanet 970, MedGen C2752089, MONDO:0024309, OMIM 201300.

Submission:

Labcorp Genetics (formerly Invitae), Labcorp
Classification: Uncertain significance for Neuropathy, hereditary sensory and autonomic, type 2A; Generalized epilepsy with febrile seizures plus, type 7. Last evaluated: 2023-12-02. Review status: criteria provided, single submitter. Criteria: Invitae Variant Classification Sherloc (09022015). Collection method: clinical testing. Allele origin: germline.
Comment: This sequence change replaces leucine, which is neutral and non-polar, with phenylalanine, which is neutral and non-polar, at codon 22 of the SCN9A protein (p.Leu22Phe). This variant is not present in population databases (gnomAD no frequency). This variant has not been reported in the literature in individuals affected with SCN9A-related conditions. ClinVar contains an entry for this variant (Variation ID: 1720425). Advanced modeling of protein sequence and biophysical properties (such as structural, functional, and spatial information, amino acid conservation, physicochemical variation, residue mobility, and thermodynamic stability) has been performed at Invitae for this missense variant, however the output from this modeling did not meet the statistical confidence thresholds required to predict the impact of this variant on SCN9A protein function. In summary, the available evidence is currently insufficient to determine the role of this variant in disease. Therefore, it has been classified as a Variant of Uncertain Significance.

NM_001365536.1(SCN9A):c.64C>T (p.Leu22Phe)

Gene: SCN9A (sodium voltage-gated channel alpha subunit 9; minus strand). Cytogenetic location: 2q24.3.
Variant type: single nucleotide variant.
Coding change: c.64C>T on transcript NM_001365536.1 (MANE Select); coding-DNA position 64, C replaced by T.
Protein change: p.Leu22Phe; replaces leucine 22 with phenylalanine.
Molecular consequence: missense variant.
Genome position (GRCh38, 1-based): chr2:166,311,693, G>A on the plus strand (C>T on the coding strand, the complement: SCN9A is on the minus strand). VCF-style: chr2-166311693-G-A. GRCh37 (hg19) VCF-style: chr2-167168203-G-A.
Other names: c.64C>T, p.Leu22Phe (NM_002977.4); short protein forms L22F.
Identifiers: ClinVar variation 1720425 (VCV001720425.6), dbSNP rs978057086, ClinGen allele CA349096189.
Genomic context (GRCh38, chr2:166,311,693, plus strand): 5'-CATCTTTCTTTTCTTCTTTGGGTTCCTTTGATTTTCTTTCAGCAATGCGTTGTTCAATGA[G>A]GGCAAGAGACTGTTTTGTGAAATGGACAAAGCTCTGAGGTCCTGGGGGAGGCAACATTGC-3'
Protein context (NP_001352465.1, residues 12-32): FVHFTKQSLA[Leu22Phe]IEQRIAERKS